The following is an entry in ClinVar:

ClinVar aggregate classification (germline): Likely benign (1 of 4 stars; one submission).

Allele frequency attached by ClinVar (database versions not stated): TOPMed 0.00006; ESP Exome Variant Server 0.00008; gnomAD 0.00010; ExAC 0.00012; 1000 Genomes Project 0.00020; 1000 Genomes Project 30x 0.00031.
gnomAD v4.1: 260 of 1,612,662 alleles (0.016%); highest among the groups gnomAD compares: Middle Eastern, 0.15%; 1 homozygote.

Submission:

CeGaT Center for Human Genetics Tuebingen
Classification: Likely benign. Last evaluated: 2023-04-01. Review status: criteria provided, single submitter. Criteria: CeGaT Center For Human Genetics Tuebingen Variant Classification Criteria Version 2. Collection method: clinical testing. Allele origin: germline. Affected: yes. Observed: 1 variant allele.
Comment: KDM4B: BP4, BP7

NM_015015.3(KDM4B):c.2475C>T (p.Pro825=)

Gene: KDM4B (lysine demethylase 4B; plus strand). Cytogenetic location: 19p13.3.
Variant type: single nucleotide variant.
Coding change: c.2475C>T on transcript NM_015015.3 (MANE Select); coding-DNA position 2475, C replaced by T.
Protein change: p.Pro825=; no amino-acid change (proline 825 retained).
Molecular consequence: synonymous variant.
Genome position (GRCh38, 1-based): chr19:5,137,995, C>T. VCF-style: chr19-5137995-C-T. GRCh37 (hg19) VCF-style: chr19-5138006-C-T.
Other names: c.2577C>T, p.Pro859= (NM_001411148.1).
Identifiers: ClinVar variation 2649105 (VCV002649105.24), dbSNP rs369817556, ClinGen allele CA9108268.
Genomic context (GRCh38, chr19:5,137,995, plus strand): 5'-CTGACCCCGCTGCACCTGCCCTCCCAGGTGGATCCACGTGATCTGTGCCATCGCAGTCCC[C>T]GAGGCGCGCTTCCTGAACGTGATTGAGCGCCACCCTGTGGACATCAGCGCCATCCCCGAG-3'
Protein context (NP_055830.1, residues 815-835): WIHVICAIAV[Pro825=]EARFLNVIER